The following is an entry in ClinVar:

GRCh37/hg19 3q27.1(chr3:182871341-182987855)x1

Genes: MCF2L2 (MCF.2 cell line derived transforming sequence-like 2; minus strand), B3GNT5 (UDP-GlcNAc:betaGal beta-1,3-N-acetylglucosaminyltransferase 5; plus strand), LAMP3 (lysosome associated membrane protein 3; minus strand). Cytogenetic location: 3q27.1.
Variant type: copy number loss.
Change: copy number 1 (one copy instead of two) of chr3:182,871,341-182,987,855 (116.5 kb, GRCh37 coordinates, 1-based), cytogenetic band 3q27.1.
Identifiers: ClinVar variation 986758 (VCV000986758.1).

ClinVar aggregate classification (germline): Pathogenic (0 of 4 stars; one submission).

Conditions:
Anophthalmia/microphthalmia-esophageal atresia syndrome (MCOPS3). Also called: MICROPHTHALMIA AND ESOPHAGEAL ATRESIA SYNDROME; AEG SYNDROME; SOX2 Disorder. Identifiers: Orphanet 77298, MedGen C1859773, MONDO:0008799, OMIM 206900.

Submission:

Anophthalmia/Microphthalmia Research Registry, Einstein Medical Center Philadelphia
Classification: Pathogenic for Anophthalmia/microphthalmia-esophageal atresia syndrome. Review status: no assertion criteria provided. Collection method: research. Allele origin: germline. Inheritance: Autosomal dominant inheritance. Affected: yes. Observed: 1 variant allele. Segregation with disease not observed.